The following is an entry in ClinVar:

NM_000321.3(RB1):c.317C>A (p.Ala106Glu)

Gene: RB1 (RB transcriptional corepressor 1; plus strand). Cytogenetic location: 13q14.2.
Variant type: single nucleotide variant.
Coding change: c.317C>A on transcript NM_000321.3 (MANE Select); coding-DNA position 317, C replaced by A.
Protein change: p.Ala106Glu; replaces alanine 106 with glutamic acid.
Molecular consequence: missense variant.
Genome position (GRCh38, 1-based): chr13:48,342,651, C>A. VCF-style: chr13-48342651-C-A. GRCh37 (hg19) VCF-style: chr13-48916787-C-A.
Other names: c.317C>A, p.Ala106Glu (NM_001407165.1, NM_001407166.1); short protein forms A106E.
Identifiers: ClinVar variation 3075639 (VCV003075639.1), dbSNP rs2138083790, ClinGen allele CA388252430.

ClinVar aggregate classification (germline): Uncertain significance (1 of 4 stars; one submission).

Conditions:
Retinoblastoma (RB1). Also called: RETINOBLASTOMA, SOMATIC. Identifiers: Orphanet 790, MedGen C0035335, MeSH D012175, MONDO:0008380, OMIM 180200, HP:0009919. Disease mechanism: loss of function. Inheritance: Both sporadic and heritable forms are tested..

Allele frequency attached by ClinVar (database versions not stated): gnomAD exomes below 0.00001.
gnomAD v4.1: 1 of 1,612,664 alleles (0.000062%); highest among the groups gnomAD compares: East Asian, 0.0022%; no homozygotes.

Submission:

All of Us Research Program, National Institutes of Health
Classification: Uncertain significance for Retinoblastoma. Last evaluated: 2023-05-04. Review status: criteria provided, single submitter. Criteria: ACMG Guidelines, 2015. Collection method: clinical testing. Allele origin: germline. Inheritance: Autosomal dominant inheritance. Observed: 1 variant allele, 1 heterozygote.
Comment: This missense variant replaces alanine with glutamic acid at codon 106 of the RB1 protein. Computational prediction suggests that this variant may have deleterious impact on protein structure and function (internally defined REVEL score threshold >= 0.7, PMID: 27666373). To our knowledge, functional studies have not been reported for this variant. This variant has not been reported in individuals affected with RB1-related disorders in the literature. This variant has not been identified in the general population by the Genome Aggregation Database (gnomAD). The available evidence is insufficient to determine the role of this variant in disease conclusively. Therefore, this variant is classified as a Variant of Uncertain Significance.

This study involves interpretation of variants in research participants for the purpose of population health screening. Participant phenotype was not available at the time of variant classification. Additional details can be found in publication PMID: 35346344, PMCID: PMC8962531